The following is an entry in ClinVar:

ClinVar aggregate classification (germline): Uncertain significance. Review status: criteria provided, multiple submitters, no conflicts (2 of 4 stars). 2 submissions from 2 submitters: Uncertain significance (2). Last evaluated 2022-10-11.

Conditions:
Cardiovascular phenotype. Identifiers: MedGen CN230736.
Brugada syndrome. Also called: Sudden unexplained nocturnal death syndrome; Sudden unexpected nocturnal death syndrome; Sudden Unexplained Death Syndrome; Sudden Unexplained Nocturnal Death Syndrome (SUNDS). Identifiers: Orphanet 130, MedGen C1142166, MONDO:0015263.

Allele frequency attached by ClinVar (database versions not stated): gnomAD exomes 0.00001; TOPMed 0.00001; ExAC 0.00003.
gnomAD v4.1: 8 of 1,612,516 alleles (0.0005%); highest among the groups gnomAD compares: Non-Finnish European, 0.00068%; no homozygotes.

Submissions (2):

Ambry Genetics
Classification: Uncertain significance for Cardiovascular phenotype. Last evaluated: 2022-10-11. Review status: criteria provided, single submitter. Criteria: Ambry Variant Classification Scheme 2023. Collection method: clinical testing. Allele origin: germline.
Comment: The p.E430K variant (also known as c.1288G>A), located in coding exon 9 of the SCN10A gene, results from a G to A substitution at nucleotide position 1288. The glutamic acid at codon 430 is replaced by lysine, an amino acid with similar properties. This amino acid position is conserved. In addition, this alteration is predicted to be deleterious by in silico analysis. Since supporting evidence is limited at this time, the clinical significance of this alteration remains unclear.

Labcorp Genetics (formerly Invitae), Labcorp
Classification: Uncertain significance for Brugada syndrome. Last evaluated: 2022-06-26. Review status: criteria provided, single submitter. Criteria: Invitae Variant Classification Sherloc (09022015). Collection method: clinical testing. Allele origin: germline.
Comment: This sequence change replaces glutamic acid, which is acidic and polar, with lysine, which is basic and polar, at codon 430 of the SCN10A protein (p.Glu430Lys). This variant is present in population databases (rs761871771, gnomAD 0.004%). This variant has not been reported in the literature in individuals affected with SCN10A-related conditions. Algorithms developed to predict the effect of missense changes on protein structure and function are either unavailable or do not agree on the potential impact of this missense change (SIFT: "Tolerated"; PolyPhen-2: "Not Available"; Align-GVGD: "Class C0"). In summary, the available evidence is currently insufficient to determine the role of this variant in disease. Therefore, it has been classified as a Variant of Uncertain Significance.

NM_006514.4(SCN10A):c.1288G>A (p.Glu430Lys)

Gene: SCN10A (sodium voltage-gated channel alpha subunit 10; minus strand). Cytogenetic location: 3p22.2.
Variant type: single nucleotide variant.
Coding change: c.1288G>A on transcript NM_006514.4 (MANE Select); coding-DNA position 1288, G replaced by A.
Protein change: p.Glu430Lys; replaces glutamic acid 430 with lysine.
Molecular consequence: missense variant.
Genome position (GRCh38, 1-based): chr3:38,756,676, C>T on the plus strand (G>A on the coding strand, the complement: SCN10A is on the minus strand). VCF-style: chr3-38756676-C-T. GRCh37 (hg19) VCF-style: chr3-38798167-C-T.
Other names: c.1288G>A, p.Glu430Lys (NM_001293306.2, NM_001293307.2); short protein forms E430K.
Identifiers: ClinVar variation 1769022 (VCV001769022.4), dbSNP rs761871771, ClinGen allele CA2320919.